The following is an entry in ClinVar:

NM_032447.5(FBN3):c.5110G>A (p.Gly1704Arg)

Gene: FBN3 (fibrillin 3; minus strand). Cytogenetic location: 19p13.2.
Variant type: single nucleotide variant.
Coding change: c.5110G>A on transcript NM_032447.5 (MANE Select); coding-DNA position 5110, G replaced by A.
Protein change: p.Gly1704Arg; replaces glycine 1704 with arginine.
Molecular consequence: missense variant.
Genome position (GRCh38, 1-based): chr19:8,100,952, C>T on the plus strand (G>A on the coding strand, the complement: FBN3 is on the minus strand). VCF-style: chr19-8100952-C-T. GRCh37 (hg19) VCF-style: chr19-8165836-C-T.
Other names: c.5110G>A, p.Gly1704Arg (NM_001321431.2); short protein forms G1704R.
Identifiers: ClinVar variation 4698725 (VCV004698725.1).

ClinVar aggregate classification (germline): Uncertain significance (1 of 4 stars; one submission).

Submission:

Labcorp Genetics (formerly Invitae), Labcorp
Classification: Uncertain significance. Last evaluated: 2026-01-08. Review status: criteria provided, single submitter. Criteria: Invitae Variant Classification Sherloc (09022015). Collection method: clinical testing. Allele origin: germline.
Comment: This sequence change replaces glycine, which is neutral and non-polar, with arginine, which is basic and polar, at codon 1704 of the FBN3 protein (p.Gly1704Arg). This variant is not present in population databases (gnomAD no frequency). This variant has not been reported in the literature in individuals affected with FBN3-related conditions. Invitae Evidence Modeling of protein sequence and biophysical properties (such as structural, functional, and spatial information, amino acid conservation, physicochemical variation, residue mobility, and thermodynamic stability) indicates that this missense variant is expected to disrupt FBN3 protein function with a positive predictive value of 80%. In summary, the available evidence is currently insufficient to determine the role of this variant in disease. Therefore, it has been classified as a Variant of Uncertain Significance.